The following is an entry in ClinVar:

ClinVar aggregate classification (germline): Uncertain significance. Review status: criteria provided, multiple submitters, no conflicts (2 of 4 stars). 2 submissions from 2 submitters: Uncertain significance (2). Last evaluated 2024-10-29.

Conditions:
Inborn genetic diseases. Identifiers: MedGen C0950123, MeSH D030342.

Allele frequency attached by ClinVar (database versions not stated): ExAC 0.00001; gnomAD 0.00001 and 0.00002; gnomAD exomes 0.00001; TOPMed 0.00002.
gnomAD v4.1: 23 of 1,611,048 alleles (0.0014%); highest among the groups gnomAD compares: Middle Eastern, 0.16%; no homozygotes.

Submissions (2):

Ambry Genetics
Classification: Uncertain significance for Inborn genetic diseases. Last evaluated: 2024-10-29. Review status: criteria provided, single submitter. Criteria: Ambry Variant Classification Scheme 2023. Collection method: clinical testing. Allele origin: germline.

Labcorp Genetics (formerly Invitae), Labcorp
Classification: Uncertain significance. Last evaluated: 2022-02-10. Review status: criteria provided, single submitter. Criteria: Invitae Variant Classification Sherloc (09022015). Collection method: clinical testing. Allele origin: germline.
Comment: This sequence change replaces valine, which is neutral and non-polar, with alanine, which is neutral and non-polar, at codon 815 of the PTPN23 protein (p.Val815Ala). This variant is present in population databases (rs748624301, gnomAD 0.003%). This variant has not been reported in the literature in individuals affected with PTPN23-related conditions. Algorithms developed to predict the effect of missense changes on protein structure and function are either unavailable or do not agree on the potential impact of this missense change (SIFT: "Tolerated"; PolyPhen-2: "Not Available"; Align-GVGD: "Class C0"). Algorithms developed to predict the effect of sequence changes on RNA splicing suggest that this variant may create or strengthen a splice site. In summary, the available evidence is currently insufficient to determine the role of this variant in disease. Therefore, it has been classified as a Variant of Uncertain Significance.

NM_015466.4(PTPN23):c.2444T>C (p.Val815Ala)

Gene: PTPN23 (protein tyrosine phosphatase non-receptor type 23; plus strand). Cytogenetic location: 3p21.31.
Variant type: single nucleotide variant.
Coding change: c.2444T>C on transcript NM_015466.4 (MANE Select); coding-DNA position 2444, T replaced by C.
Protein change: p.Val815Ala; replaces valine 815 with alanine.
Molecular consequence: missense variant.
Genome position (GRCh38, 1-based): chr3:47,410,242, T>C. VCF-style: chr3-47410242-T-C. GRCh37 (hg19) VCF-style: chr3-47451732-T-C.
Other names: c.2066T>C, p.Val689Ala (NM_001304482.2); c.2444T>C (NM_015466.2); short protein forms V815A, V689A.
Identifiers: ClinVar variation 1437819 (VCV001437819.4), dbSNP rs748624301, ClinGen allele CA2366045.
Genomic context (GRCh38, chr3:47,410,242, plus strand): 5'-CCTACTCGGGCCCCACCCAGCTGATACAGCCCAGGGCCCCAGGGCCCCATGCAATGCCCG[T>C]AGCACCTGGGCCTGCCCTCTACCCAGCCCCTGCCTACACACCGGAGCTGGGCCTTGTGCC-3'
Protein context (NP_056281.1, residues 805-825): PRAPGPHAMP[Val815Ala]APGPALYPAP